The following is an entry in ClinVar:

NM_002449.5(MSX2):c.286G>T (p.Val96Leu)

Gene: MSX2 (msh homeobox 2; plus strand). Cytogenetic location: 5q35.2.
Variant type: single nucleotide variant.
Coding change: c.286G>T on transcript NM_002449.5 (MANE Select); coding-DNA position 286, G replaced by T.
Protein change: p.Val96Leu; replaces valine 96 with leucine.
Molecular consequence: missense variant.
Genome position (GRCh38, 1-based): chr5:174,724,945, G>T. VCF-style: chr5-174724945-G-T. GRCh37 (hg19) VCF-style: chr5-174151948-G-T.
Other names: c.286G>T, p.Val96Leu (NM_001363626.2); short protein forms V96L.
Identifiers: ClinVar variation 904830 (VCV000904830.12), dbSNP rs769329948, ClinGen allele CA3565124.
Genomic context (GRCh38, chr5:174,724,945, plus strand): 5'-CTGCGGCCACTGCTGCTGTCGGGGCACGGCGCTCGGGAAGCGCACAGCCCCGGGCCGCTG[G>T]TGAAGCCCTTCGAGACCGCCTCGGTCAAGTCGGAAAATTCAGAAGATGGAGCGGCGTGGA-3'
Protein context (NP_002440.2, residues 86-106): AREAHSPGPL[Val96Leu]KPFETASVKS

ClinVar aggregate classification (germline): Conflicting classifications of pathogenicity. Review status: criteria provided, conflicting classifications (1 of 4 stars). 4 submissions from 3 submitters: Uncertain significance (3); Likely benign (1). Last evaluated 2025-10-03.

Conditions:
Cranium bifidum occultum. Also called: CATLIN MARKS; CRANIUM BIFIDUM, HEREDITARY; Enlarged Parietal Foramina. Identifiers: MedGen C1868598, HP:0004423.
Craniosynostosis 2 (CRS2). Also called: Warman-Mulliken-Hayward syndrome; Craniosynostosis Warman type; Craniosynostosis Boston type. Identifiers: Orphanet 1541, MedGen C1858160, MONDO:0011481, OMIM 604757.
Parietal foramina 1 (PFM1). Also called: FORAMINA PARIETALIA PERMAGNA; PARIETAL FORAMINA, SYMMETRIC. Identifiers: Orphanet 60015, MedGen C1868599, MONDO:0008197, OMIM 168500.

Allele frequency attached by ClinVar (database versions not stated): gnomAD exomes 0.00004 and 0.00005; gnomAD 0.00006 and 0.00005; TOPMed 0.00006; ExAC 0.00014.
gnomAD v4.1: 70 of 1,593,194 alleles (0.0044%); highest among the groups gnomAD compares: Middle Eastern, 0.017%; no homozygotes.

Submissions (4):

Labcorp Genetics (formerly Invitae), Labcorp
Classification: Uncertain significance for Cranium bifidum occultum. Last evaluated: 2025-10-03. Review status: criteria provided, single submitter. Criteria: Invitae Variant Classification Sherloc (09022015). Collection method: clinical testing. Allele origin: germline.
Comment: This sequence change replaces valine, which is neutral and non-polar, with leucine, which is neutral and non-polar, at codon 96 of the MSX2 protein (p.Val96Leu). This variant is present in population databases (rs769329948, gnomAD 0.01%). This variant has not been reported in the literature in individuals affected with MSX2-related conditions. ClinVar contains an entry for this variant (Variation ID: 904830). Invitae Evidence Modeling of protein sequence and biophysical properties (such as structural, functional, and spatial information, amino acid conservation, physicochemical variation, residue mobility, and thermodynamic stability) indicates that this missense variant is not expected to disrupt MSX2 protein function with a negative predictive value of 80%. In summary, the available evidence is currently insufficient to determine the role of this variant in disease. Therefore, it has been classified as a Variant of Uncertain Significance.

Genetic Services Laboratory, University of Chicago
Classification: Uncertain significance. Last evaluated: 2018-07-14. Review status: criteria provided, single submitter. Criteria: ACMG Guidelines, 2015. Collection method: clinical testing. Allele origin: germline. Affected: no.

Illumina Laboratory Services, Illumina
Classification: Likely benign for Craniosynostosis 2. Last evaluated: 2018-01-12. Review status: criteria provided, single submitter. Criteria: ICSL Variant Classification Criteria 13 December 2019. Collection method: clinical testing. Allele origin: germline.
Comment: This variant was observed in the ICSL laboratory as part of a predisposition screen in an ostensibly healthy population. It had not been previously curated by ICSL or reported in the Human Gene Mutation Database (HGMD: prior to June 1st, 2018), and was therefore a candidate for classification through an automated scoring system. Utilizing variant allele frequency, disease prevalence and penetrance estimates, and inheritance mode, an automated score was calculated to assess if this variant is too frequent to cause the disease. Based on the score and internal cut-off values, a variant classified as likely benign is not then subjected to further curation. The score for this variant resulted in a classification of likely benign for this disease.

Illumina Laboratory Services, Illumina
Classification: Uncertain significance for Parietal foramina 1. Last evaluated: 2018-01-12. Review status: criteria provided, single submitter. Criteria: ICSL Variant Classification Criteria 13 December 2019. Collection method: clinical testing. Allele origin: germline.